The following is an entry in ClinVar:

NC_000012.11:g.(?_993267)_(1017958_?)dup

Gene: WNK1 (WNK lysine deficient protein kinase 1; plus strand). Cytogenetic location: 12p13.33.
Variant type: Duplication.
Identifiers: ClinVar variation 3244329 (VCV003244329.1).

ClinVar aggregate classification (germline): Uncertain significance (1 of 4 stars; one submission).

Conditions:
Pseudohypoaldosteronism type 2C (PHA2C). Also called: Pseudohypoaldosteronism Type IIC. Identifiers: Orphanet 757, Orphanet 88940, MedGen C1840391, MONDO:0013778, OMIM 614492.
Neuropathy, hereditary sensory and autonomic, type 2A (HSAN2A). Also called: ACROOSTEOLYSIS, GIACCAI TYPE; ACROOSTEOLYSIS, NEUROGENIC; MORVAN DISEASE; NEUROPATHY, CONGENITAL SENSORY; NEUROPATHY, HEREDITARY SENSORY RADICULAR, AUTOSOMAL RECESSIVE; NEUROPATHY, HEREDITARY SENSORY, TYPE IIA. Identifiers: Orphanet 970, MedGen C2752089, MONDO:0024309, OMIM 201300.

Submission:

Labcorp Genetics (formerly Invitae), Labcorp
Classification: Uncertain significance for Neuropathy, hereditary sensory and autonomic, type 2A; Pseudohypoaldosteronism type 2C. Last evaluated: 2022-12-14. Review status: criteria provided, single submitter. Criteria: Invitae Variant Classification Sherloc (09022015). Collection method: clinical testing. Allele origin: unknown.
Comment: In summary, the available evidence is currently insufficient to determine the role of this variant in disease. Therefore, it has been classified as a Variant of Uncertain Significance. This variant has not been reported in the literature in individuals affected with WNK1-related conditions. This variant results in a copy number gain of the genomic region encompassing exon(s) 18-28 of the WNK1 gene. This region includes the termination codon of the gene. This copy number gain extends beyond the assayed region for this gene and therefore may encompass additional genes. As the precise location of this event is unknown, it may be in tandem or it may be located elsewhere in the genome.